The following is an entry in ClinVar:

NM_003047.5(SLC9A1):c.1221C>T (p.His407=)

Gene: SLC9A1 (solute carrier family 9 member A1; minus strand). Cytogenetic location: 1p36.11.
Variant type: single nucleotide variant.
Coding change: c.1221C>T on transcript NM_003047.5 (MANE Select); coding-DNA position 1221, C replaced by T.
Protein change: p.His407=; no amino-acid change (histidine 407 retained).
Molecular consequence: synonymous variant. On other transcripts: non-coding transcript variant (1).
Genome position (GRCh38, 1-based): chr1:27,107,709, G>A on the plus strand (C>T on the coding strand, the complement: SLC9A1 is on the minus strand). VCF-style: chr1-27107709-G-A. GRCh37 (hg19) VCF-style: chr1-27434200-G-A.
Identifiers: ClinVar variation 3239311 (VCV003239311.19), dbSNP rs543760155.

ClinVar aggregate classification (germline): Likely benign (1 of 4 stars; one submission).

Allele frequency attached by ClinVar (database versions not stated): gnomAD 0.00001; gnomAD exomes 0.00001; TOPMed 0.00002.

Submission:

CeGaT Center for Human Genetics Tuebingen
Classification: Likely benign. Last evaluated: 2024-05-01. Review status: criteria provided, single submitter. Criteria: CeGaT Center For Human Genetics Tuebingen Variant Classification Criteria Version 2. Collection method: clinical testing. Allele origin: germline. Affected: yes. Observed: 1 variant allele.
Comment: SLC9A1: BP4, BP7